The following is an entry in ClinVar:

ClinVar aggregate classification (germline): Likely pathogenic (1 of 4 stars; one submission).

Conditions:
T-B+ severe combined immunodeficiency due to JAK3 deficiency. Also called: SCID, T CELL-NEGATIVE, B CELL-POSITIVE, NK CELL-NEGATIVE; SCID, autosomal recessive, T-negative/B-positive type. Identifiers: Orphanet 35078, MedGen C1833275, MONDO:0010938, OMIM 600802.

Submission:

Labcorp Genetics (formerly Invitae), Labcorp
Classification: Likely pathogenic for T-B+ severe combined immunodeficiency due to JAK3 deficiency. Last evaluated: 2024-09-16. Review status: criteria provided, single submitter. Criteria: Invitae Variant Classification Sherloc (09022015). Collection method: clinical testing. Allele origin: germline.
Comment: This sequence change affects a splice site in intron 13 of the JAK3 gene. It is expected to disrupt RNA splicing. Variants that disrupt the donor or acceptor splice site typically lead to a loss of protein function (PMID: 16199547), and loss-of-function variants in JAK3 are known to be pathogenic (PMID: 7481768, 11668621). This variant is not present in population databases (gnomAD no frequency). This variant has not been reported in the literature in individuals affected with JAK3-related conditions. Algorithms developed to predict the effect of sequence changes on RNA splicing suggest that this variant may disrupt the consensus splice site. In summary, the currently available evidence indicates that the variant is pathogenic, but additional data are needed to prove that conclusively. Therefore, this variant has been classified as Likely Pathogenic.

Literature cited by the submitters: PubMed 16199547; PubMed 7481768; PubMed 11668621.

NM_000215.4(JAK3):c.1786+2_1786+5del

Gene: JAK3 (Janus kinase 3; minus strand). Cytogenetic location: 19p13.11.
Variant type: Deletion.
Coding change: c.1786+2_1786+5del on transcript NM_000215.4 (MANE Select); the canonical splice donor site of the intron after coding-DNA position 1786 through 5 bases into the intron after coding-DNA position 1786, 4 bases deleted (TGAG; older notation c.1786+2_1786+5delTGAG).
Molecular consequence: splice donor variant.
Genome position (GRCh38, 1-based): chr19:17,837,124-17,837,127, CTCA deleted on the plus strand (TGAG on the coding strand, the reverse complement: JAK3 is on the minus strand); deleting any 4 consecutive bases within chr19:17,837,124-17,837,129 gives the same sequence; the c. name uses the placement nearest the transcript's 3' end. VCF-style (leftmost placement, unchanged base first): chr19-17837123-TCTCA-T. GRCh37 (hg19) VCF-style: chr19-17947932-TCTCA-T.
Identifiers: ClinVar variation 2775535 (VCV002775535.3), dbSNP rs2514559502, ClinGen allele CA632066353.